The following is an entry in ClinVar:

ClinVar aggregate classification (germline): Likely benign (0 of 4 stars; one submission).

Conditions:
FLT4-related disorder. Also called: FLT4-related condition.

Submission:

PreventionGenetics, part of Exact Sciences
Classification: Likely benign for FLT4-related condition. Last evaluated: 2021-10-14. Review status: no assertion criteria provided. Collection method: clinical testing. Allele origin: germline.
Comment: This variant is classified as likely benign based on ACMG/AMP sequence variant interpretation guidelines (Richards et al. 2015 PMID: 25741868, with internal and published modifications).

NM_182925.5(FLT4):c.2739C>T (p.Leu913=)

Gene: FLT4 (fms related receptor tyrosine kinase 4; minus strand). Cytogenetic location: 5q35.3.
Variant type: single nucleotide variant.
Coding change: c.2739C>T on transcript NM_182925.5 (MANE Select); coding-DNA position 2739, C replaced by T.
Protein change: p.Leu913=; no amino-acid change (leucine 913 retained).
Molecular consequence: synonymous variant.
Genome position (GRCh38, 1-based): chr5:180,619,275, G>A on the plus strand (C>T on the coding strand, the complement: FLT4 is on the minus strand). VCF-style: chr5-180619275-G-A. GRCh37 (hg19) VCF-style: chr5-180046275-G-A.
Other names: c.2739C>T, p.Leu913= (NM_001354989.2, NM_002020.5).
Identifiers: ClinVar variation 3058494 (VCV003058494.2), dbSNP rs2127808309, ClinGen allele CA448105574.
Genomic context (GRCh38, chr5:180,619,275, plus strand): 5'-CGGGGTCTCGCCGTCCCAGCGGGCCGCCCGCTCCGTACCCTGCGGCTTGGTGCACGCCCC[G>A]AGGAGGTTGACCACGTTGAGGTGGTTGCCGATGTGAATGAGGATCTTGAGCTCCGACATC-3'
Protein context (NP_891555.2, residues 903-923): IGNHLNVVNL[Leu913=]GACTKPQGPL